The following is an entry in ClinVar:

ClinVar aggregate classification (germline): Pathogenic (1 of 4 stars; one submission).

Conditions:
Peutz-Jeghers syndrome (PJS). Also called: POLYPOSIS, HAMARTOMATOUS INTESTINAL; POLYPS-AND-SPOTS SYNDROME; Peutz-Jeghers polyposis; Periorificial lentiginosis syndrome. Identifiers: Orphanet 2869, MedGen C0031269, MeSH D010580, MONDO:0008280, OMIM 175200.

Submission:

Labcorp Genetics (formerly Invitae), Labcorp
Classification: Pathogenic for Peutz-Jeghers syndrome. Last evaluated: 2021-12-05. Review status: criteria provided, single submitter. Criteria: Invitae Variant Classification Sherloc (09022015). Collection method: clinical testing. Allele origin: germline.
Comment: For these reasons, this variant has been classified as Pathogenic. Algorithms developed to predict the effect of sequence changes on RNA splicing suggest that this variant may create or strengthen a splice site. Retrotransposon insertions including LINE1 (L1), Alu, and SVA (SINE-VNTR-Alu) have been reported to be disease-causing through disruption of either a coding region or splice site (PMID: 19763152, 20307669, 22406018) and loss-of-function variants in STK11 are known to be pathogenic (PMID: 15188174, 16287113). This variant has not been reported in the literature in individuals affected with STK11-related conditions. This variant is not present in population databases (gnomAD no frequency). This sequence change inserts a large fragment of DNA, likely a transposable element, in exon 4 of the STK11 gene (c.472_473ins?), causing a frameshift at codon 158 (p.Cys158fs). The exact size and sequence of the insertion cannot be determined by the current assay. However, the insertion is expected to result in an absent or disrupted protein product.

Literature cited by the submitters: PubMed 19763152; PubMed 20307669; PubMed 22406018; PubMed 15188174; PubMed 16287113.

NC_000019.10:g.1220380_1220381insTTTTTTTTTTTTTTTTTTTTNNNNNNNNNNGGCTGGCCGGGCAGAGTGGCTCCTCACTTCCCAGACGGGGTGGTTGCCAGACGGAGGGGCTCCTCACTTCTCAGACGGGGCCCGCAGGTACTTCT

Gene: STK11 (serine/threonine kinase 11; plus strand). Cytogenetic location: 19p13.3.
Variant type: Insertion.
Genome position: GRCh38: chr19:1,220,380-1,220,381. GRCh37 (hg19): chr19:1,220,379-1,220,380.
Identifiers: ClinVar variation 2033707 (VCV002033707.5).